The following is an entry in ClinVar:

NM_198252.3(GSN):c.1955C>G (p.Thr652Ser)

Gene: GSN (gelsolin; plus strand). Cytogenetic location: 9q33.2.
Variant type: single nucleotide variant.
Coding change: c.1955C>G on transcript NM_198252.3 (MANE Select); coding-DNA position 1955, C replaced by G.
Protein change: p.Thr652Ser; replaces threonine 652 with serine.
Molecular consequence: missense variant.
Genome position (GRCh38, 1-based): chr9:121,329,305, C>G. VCF-style: chr9-121329305-C-G. GRCh37 (hg19) VCF-style: chr9-124091583-C-G.
Other names: c.2108C>G, p.Thr703Ser (NM_000177.5); c.1955C>G, p.Thr652Ser (NM_001127662.2, NM_001127664.2, NM_001127665.2 and 10 more transcripts); c.2063C>G, p.Thr688Ser (NM_001127663.2); c.1988C>G, p.Thr663Ser (NM_001127666.2, NM_001127667.2, NM_001353063.2 and 13 more transcripts); c.2006C>G, p.Thr669Ser (NM_001258029.2); c.1979C>G, p.Thr660Ser (NM_001258030.2); c.2027C>G, p.Thr676Ser (NM_001353076.2); c.1301C>G, p.Thr434Ser (NM_001353078.2); short protein forms T434S, T652S, T660S, T663S, T669S, T676S, T688S, T703S.
Identifiers: ClinVar variation 4975895 (VCV004975895.1).

ClinVar aggregate classification (germline): Uncertain significance (1 of 4 stars; one submission).

gnomAD v4.1: 1 of 1,600,714 alleles (0.000062%); no homozygotes.

Submission:

GeneDx
Classification: Uncertain significance. Last evaluated: 2026-02-02. Review status: criteria provided, single submitter. Criteria: GeneDx Variant Classification Process June 2021. Collection method: clinical testing. Allele origin: germline.
Comment: Not observed at significant frequency in large population cohorts (gnomAD); In silico analysis supports that this missense variant has a deleterious effect on protein structure/function; Has not been previously published as pathogenic or benign to our knowledge